The following is an entry in ClinVar:

NM_018297.4(NGLY1):c.164G>A (p.Arg55Gln)

Gene: NGLY1 (N-glycanase 1; minus strand). Cytogenetic location: 3p24.2.
Variant type: single nucleotide variant.
Coding change: c.164G>A on transcript NM_018297.4 (MANE Select); coding-DNA position 164, G replaced by A.
Protein change: p.Arg55Gln; replaces arginine 55 with glutamine.
Molecular consequence: missense variant.
Genome position (GRCh38, 1-based): chr3:25,778,656, C>T on the plus strand (G>A on the coding strand, the complement: NGLY1 is on the minus strand). VCF-style: chr3-25778656-C-T. GRCh37 (hg19) VCF-style: chr3-25820147-C-T.
Other names: c.164G>A, p.Arg55Gln (NM_001145293.2, NM_001145295.2); c.38G>A, p.Arg13Gln (NM_001145294.2); short protein forms R13Q, R55Q.
Identifiers: ClinVar variation 949960 (VCV000949960.5), dbSNP rs964624944, ClinGen allele CA71682193.

ClinVar aggregate classification (germline): Uncertain significance (1 of 4 stars; one submission).

Conditions:
Congenital disorder of deglycosylation (CDDG). Identifiers: MedGen C3808991, MONDO:0031376.

Allele frequency attached by ClinVar (database versions not stated): gnomAD exomes below 0.00001; gnomAD 0.00001; TOPMed 0.00001.
gnomAD v4.1: 7 of 1,610,924 alleles (0.00043%); highest among the groups gnomAD compares: Non-Finnish European, 0.00059%; no homozygotes.

Submission:

Labcorp Genetics (formerly Invitae), Labcorp
Classification: Uncertain significance for Congenital disorder of deglycosylation. Last evaluated: 2025-05-05. Review status: criteria provided, single submitter. Criteria: Invitae Variant Classification Sherloc (09022015). Collection method: clinical testing. Allele origin: germline.
Comment: This sequence change replaces arginine, which is basic and polar, with glutamine, which is neutral and polar, at codon 55 of the NGLY1 protein (p.Arg55Gln). This variant is present in population databases (no rsID available, gnomAD 0.005%). This variant has not been reported in the literature in individuals affected with NGLY1-related conditions. ClinVar contains an entry for this variant (Variation ID: 949960). Invitae Evidence Modeling of protein sequence and biophysical properties (such as structural, functional, and spatial information, amino acid conservation, physicochemical variation, residue mobility, and thermodynamic stability) indicates that this missense variant is not expected to disrupt NGLY1 protein function with a negative predictive value of 80%. In summary, the available evidence is currently insufficient to determine the role of this variant in disease. Therefore, it has been classified as a Variant of Uncertain Significance.